The following is an entry in ClinVar:

NM_000238.4(KCNH2):c.3194A>G (p.Gln1065Arg)

Gene: KCNH2 (potassium voltage-gated channel subfamily H member 2; minus strand). Cytogenetic location: 7q36.1.
Variant type: single nucleotide variant.
Coding change: c.3194A>G on transcript NM_000238.4 (MANE Select); coding-DNA position 3194, A replaced by G.
Protein change: p.Gln1065Arg; replaces glutamine 1065 with arginine.
Molecular consequence: missense variant. On other transcripts: non-coding transcript variant (2).
Genome position (GRCh38, 1-based): chr7:150,947,013, T>C on the plus strand (A>G on the coding strand, the complement: KCNH2 is on the minus strand). VCF-style: chr7-150947013-T-C. GRCh37 (hg19) VCF-style: chr7-150644101-T-C.
Other names: c.2906A>G, p.Gln969Arg (NM_001406753.1); c.2174A>G, p.Gln725Arg (NM_172057.3); short protein forms Q725R, Q969R, Q1065R.
Identifiers: ClinVar variation 2905757 (VCV002905757.2), dbSNP rs2486001232, ClinGen allele CA369852286.

ClinVar aggregate classification (germline): Uncertain significance (1 of 4 stars; one submission).

Conditions:
Long QT syndrome (LQTS). Identifiers: MedGen C0023976, MeSH D008133, MONDO:0002442. Disease mechanism: loss of function. Inheritance: Various modes of inheritance.

Submission:

Labcorp Genetics (formerly Invitae), Labcorp
Classification: Uncertain significance for Long QT syndrome. Last evaluated: 2023-05-05. Review status: criteria provided, single submitter. Criteria: Invitae Variant Classification Sherloc (09022015). Collection method: clinical testing. Allele origin: germline.
Comment: In summary, the available evidence is currently insufficient to determine the role of this variant in disease. Therefore, it has been classified as a Variant of Uncertain Significance. An algorithm developed to predict the effect of missense changes on protein structure and function (PolyPhen-2) suggests that this variant is likely to be disruptive. This variant has not been reported in the literature in individuals affected with KCNH2-related conditions. This variant is not present in population databases (gnomAD no frequency). This sequence change replaces glutamine, which is neutral and polar, with arginine, which is basic and polar, at codon 1065 of the KCNH2 protein (p.Gln1065Arg).